The following is an entry in ClinVar:

ClinVar aggregate classification (germline): Uncertain significance. Review status: criteria provided, multiple submitters, no conflicts (2 of 4 stars). 3 submissions from 3 submitters: Uncertain significance (3). Last evaluated 2025-09-24.

Conditions:
Cardiovascular phenotype. Identifiers: MedGen CN230736.
Dilated cardiomyopathy 1G (CMD1G). Identifiers: Orphanet 154, MedGen C1858763, MONDO:0011400, OMIM 604145.
Autosomal recessive limb-girdle muscular dystrophy type 2J (LGMDR10). Also called: Limb-girdle muscular dystrophy, type 2J; MUSCULAR DYSTROPHY, LIMB-GIRDLE, AUTOSOMAL RECESSIVE 10. Identifiers: Orphanet 140922, MedGen C1837342, MONDO:0012127, OMIM 608807.

Submissions (3):

Ambry Genetics
Classification: Uncertain significance for Cardiovascular phenotype. Last evaluated: 2025-09-24. Review status: criteria provided, single submitter. Criteria: Ambry Variant Classification Scheme 2023. Collection method: clinical testing. Allele origin: germline.
Comment: The c.68354_68356delAGA variant (also known as p.K22785del) is located in coding exon 171 of the TTN gene. This variant results from an in-frame AGA deletion at nucleotide positions 68354 to 68356. This results in the in-frame deletion of a lysine at codon 22785. This amino acid position is highly conserved in available vertebrate species. In addition, this variant is predicted to be deleterious by in silico analysis (Choi Y et al. PLoS ONE. 2012; 7(10):e46688). Based on the available evidence, the clinical significance of this variant remains unclear.

Laboratory for Molecular Medicine, Mass General Brigham Personalized Medicine
Classification: Uncertain significance. Last evaluated: 2023-05-10. Review status: criteria provided, single submitter. Criteria: ACMG Guidelines, 2015. Collection method: clinical testing. Allele origin: germline.
Comment: The p.Lys29282del variant in TTN has been identified in 1 individual with DCM and 1 individual with DCM and ARVC who also had another potentially disease-causing variant in another gene that could explain their phenotype (LMM data). This variant has also been reported by other clinical laboratories in ClinVar (Variation ID 178944) and was absent from large population studies. This variant is a deletion of 3 amino acids at position 29282 and is not predicted to alter the protein reading-frame. It is unclear if this deletion will impact the protein. In summary, while the clinical significance of this variant is uncertain, these data suggest that it is more likely to be benign ACMG/AMP Criteria applied: PM2_supporting, PM4_Supporting, BP5.

Labcorp Genetics (formerly Invitae), Labcorp
Classification: Uncertain significance for Dilated cardiomyopathy 1G; Autosomal recessive limb-girdle muscular dystrophy type 2J. Last evaluated: 2017-02-12. Review status: criteria provided, single submitter. Criteria: Invitae Variant Classification Sherloc (09022015). Collection method: clinical testing. Allele origin: germline.

NM_001267550.2(TTN):c.95543AGA[2] (p.Lys31850del)

Genes: TTN (titin; minus strand), TTN-AS1 (TTN antisense RNA 1; plus strand). Cytogenetic location: 2q31.2.
Variant type: Microsatellite.
Coding change: c.95543AGA[2] on transcript NM_001267550.2 (MANE Select); two copies in a row of the 3-base unit AGA starting at c.95543; the reference has three copies in a row; one copy, 3 bases deleted.
Protein change: p.Lys31850del; deletes lysine 31850.
Molecular consequence: inframe deletion.
Genome position (GRCh38, 1-based): chr2:178,545,559-178,545,561, TCT deleted on the plus strand (AGA on the coding strand, the reverse complement: TTN is on the minus strand); deleting any 3 consecutive bases within chr2:178,545,559-178,545,567 gives the same sequence; the position shown is the placement nearest the transcript's 3' end. VCF-style (leftmost placement, unchanged base first): chr2-178545558-CTCT-C. GRCh37 (hg19) VCF-style: chr2-179410285-CTCT-C.
Other names: c.87845_87847delAGA (NM_133378.4); c.95549_95551delAGA (NM_001267550.2); c.90620AGA[2], p.Lys30209del (NM_001256850.1); c.68348AGA[2], p.Lys22785del (NM_003319.4); c.87839AGA[2], p.Lys29282del (NM_133378.4); c.68723AGA[2], p.Lys22910del (NM_133432.3); c.68924AGA[2], p.Lys22977del (NM_133437.4); c.68354_68356delAGA (NM_003319.4); short protein forms K29282del, K31850del, K22785del, K22977del, K22910del, K30209del.
Identifiers: ClinVar variation 178944 (VCV000178944.9), dbSNP rs727504556, ClinGen allele CA183358.